The following is an entry in ClinVar:

NM_000264.5(PTCH1):c.4180dup (p.Arg1394fs)

Gene: PTCH1 (patched 1; minus strand). Cytogenetic location: 9q22.32.
Variant type: Duplication.
Coding change: c.4180dup on transcript NM_000264.5 (MANE Select); coding-DNA position 4180, one base duplicated (C; older notation c.4180dupC).
Protein change: p.Arg1394fs; shifts the reading frame from arginine 1394.
Molecular consequence: frameshift variant. On other transcripts: non-coding transcript variant (1).
Genome position (GRCh38, 1-based): chr9:95,447,076, G duplicated on the plus strand (C on the coding strand, the reverse complement: PTCH1 is on the minus strand); the first of 5 consecutive G bases (chr9:95,447,076-95,447,080); duplicating any one gives the same sequence. VCF-style (leftmost placement, unchanged base first): chr9-95447075-C-CG. GRCh37 (hg19) VCF-style: chr9-98209357-C-CG.
Other names: c.3982dup, p.Arg1328fs (NM_001083602.3); c.4177dup, p.Arg1393fs (NM_001083603.3); c.3727dup, p.Arg1243fs (NM_001083604.3, NM_001083605.3, NM_001083606.3 and 1 more transcripts); c.4024dup, p.Arg1342fs (NM_001354918.2); short protein forms R1328fs, R1243fs, R1342fs, R1393fs, R1394fs.
Identifiers: ClinVar variation 1367716 (VCV001367716.6), dbSNP rs1297699637, ClinGen allele CA868795826.

ClinVar aggregate classification (germline): Uncertain significance (1 of 4 stars; one submission).

Conditions:
Gorlin syndrome. Also called: Basal cell nevus syndrome; Nevoid Basal Cell Carcinoma Syndrome. Identifiers: Orphanet 377, MedGen C0004779, MONDO:0007187.

Submission:

Labcorp Genetics (formerly Invitae), Labcorp
Classification: Uncertain significance for Gorlin syndrome. Last evaluated: 2021-07-15. Review status: criteria provided, single submitter. Criteria: Invitae Variant Classification Sherloc (09022015). Collection method: clinical testing. Allele origin: germline.
Comment: This variant has not been reported in the literature in individuals affected with PTCH1-related conditions. Experimental studies and prediction algorithms are not available or were not evaluated, and the functional significance of this variant is currently unknown. In summary, the available evidence is currently insufficient to determine the role of this variant in disease. Therefore, it has been classified as a Variant of Uncertain Significance. This variant is not present in population databases (ExAC no frequency). This sequence change creates a premature translational stop signal (p.Arg1394Profs*10) in the PTCH1 gene. While this is not anticipated to result in nonsense mediated decay, it is expected to disrupt the last 54 amino acid(s) of the PTCH1 protein.